The following is an entry in ClinVar:

NM_002528.7(NTHL1):c.237G>C (p.Trp79Cys)

Gene: NTHL1 (nth like DNA glycosylase 1; minus strand). Cytogenetic location: 16p13.3.
Variant type: single nucleotide variant.
Coding change: c.237G>C on transcript NM_002528.7 (MANE Select); coding-DNA position 237, G replaced by C.
Protein change: p.Trp79Cys; replaces tryptophan 79 with cysteine.
Molecular consequence: missense variant. On other transcripts: intron variant (1).
Genome position (GRCh38, 1-based): chr16:2,046,245, C>G on the plus strand (G>C on the coding strand, the complement: NTHL1 is on the minus strand). VCF-style: chr16-2046245-C-G. GRCh37 (hg19) VCF-style: chr16-2096246-C-G.
Other names: c.237G>C, p.Trp79Cys (NM_001318193.2); c.24+35G>C (NM_001318194.2); short protein forms W79C.
Identifiers: ClinVar variation 948042 (VCV000948042.8), dbSNP rs2084374285, ClinGen allele CA394297262.

ClinVar aggregate classification (germline): Uncertain significance (1 of 4 stars; one submission).

Submission:

Labcorp Genetics (formerly Invitae), Labcorp
Classification: Uncertain significance. Last evaluated: 2019-04-23. Review status: criteria provided, single submitter. Criteria: Invitae Variant Classification Sherloc (09022015). Collection method: clinical testing. Allele origin: germline.
Comment: This variant has not been reported in the literature in individuals with NTHL1-related conditions. This variant is not present in population databases (ExAC no frequency). This sequence change replaces tryptophan with cysteine at codon 87 of the NTHL1 protein (p.Trp87Cys). The tryptophan residue is moderately conserved and there is a large physicochemical difference between tryptophan and cysteine. In summary, the available evidence is currently insufficient to determine the role of this variant in disease. Therefore, it has been classified as a Variant of Uncertain Significance. Algorithms developed to predict the effect of missense changes on protein structure and function are either unavailable or do not agree on the potential impact of this missense change (SIFT: "Deleterious"; PolyPhen-2: "Benign"; Align-GVGD: "Class C0").